The following is an entry in ClinVar:

NM_206933.4(USH2A):c.4627+32G>T

Gene: USH2A (usherin; minus strand). Cytogenetic location: 1q41.
Variant type: single nucleotide variant.
Coding change: c.4627+32G>T on transcript NM_206933.4 (MANE Select); 32 bases into the intron after coding-DNA position 4627, G replaced by T.
Molecular consequence: intron variant. On other transcripts: 3 prime UTR variant (1).
Genome position (GRCh38, 1-based): chr1:216,175,220, C>A on the plus strand (G>T on the coding strand, the complement: USH2A is on the minus strand). VCF-style: chr1-216175220-C-A. GRCh37 (hg19) VCF-style: chr1-216348562-C-A.
Other names: c.*18G>T (NM_007123.6).
Identifiers: ClinVar variation 876036 (VCV000876036.5), dbSNP rs75662936, ClinGen allele CA1395676.
Genomic context (GRCh38, chr1:216,175,220, plus strand): 5'-ATAATAAAAATTCATTGTAAAGGGATATGAAAATATAGAAAACATTTTGGAGCTTCGTGT[C>A]TCCTAAATAAAGCAATGTCAAACACACTTACCAGTGAAGTCTGTATTGACTGGGTGAGTG-3'

ClinVar aggregate classification (germline): Benign. Review status: criteria provided, multiple submitters, no conflicts (2 of 4 stars). 3 submissions from 2 submitters: Benign (3). Last evaluated 2017-11-16.

Conditions:
Retinitis pigmentosa (RP). Identifiers: Orphanet 791, MedGen C0035334, MeSH D012174, MONDO:0019200, OMIM 268000. Inheritance: Autosomal dominant, autosomal recessive and X linked inheritance.
Usher syndrome type 2A. Also called: RETINAL DISEASE IN USHER SYNDROME TYPE IIA, MODIFIER OF; USHER SYNDROME, TYPE IIA. Identifiers: Orphanet 231178, Orphanet 886, MedGen C1848634, MONDO:0010169, OMIM 276901.

Allele frequency attached by ClinVar (database versions not stated): gnomAD exomes 0.00118 and 0.00308; ESP Exome Variant Server 0.01123; gnomAD 0.01207 and 0.01284; TOPMed 0.01328; 1000 Genomes Project 0.01558; 1000 Genomes Project 30x 0.01640; ExAC 0.00418.
gnomAD v4.1: 3,645 of 1,613,112 alleles (0.23%); highest among the groups gnomAD compares: African/African-American, 4.2%; 66 homozygotes.

Submissions (3):

Illumina Laboratory Services, Illumina
Classification: Benign for Retinitis pigmentosa. Last evaluated: 2017-11-16. Review status: criteria provided, single submitter. Criteria: ICSL Variant Classification Criteria 13 December 2019. Collection method: clinical testing. Allele origin: germline.
Comment: This variant was observed as part of a predisposition screen in an ostensibly healthy population. A literature search was performed for the gene, cDNA change, and amino acid change (where applicable). No publications were found based on this search. Allele frequency data from public databases was too high to be consistent with this variant causing disease. Therefore, this variant is classified as benign.

Illumina Laboratory Services, Illumina
Classification: Benign for Usher syndrome type 2A. Last evaluated: 2017-11-16. Review status: criteria provided, single submitter. Criteria: ICSL Variant Classification Criteria 13 December 2019. Collection method: clinical testing. Allele origin: germline.
Comment: the same text as in the submission from Illumina Laboratory Services, Illumina above.

Breakthrough Genomics
Classification: Benign. Review status: criteria provided, single submitter. Criteria: ACMG Guidelines, 2015. Collection method: not provided. Allele origin: germline. Inheritance: Autosomal recessive inheritance. Affected: yes.